The following is an entry in ClinVar:

NM_000465.4(BARD1):c.787A>G (p.Ser263Gly)

Gene: BARD1 (BRCA1 associated RING domain 1; minus strand). Cytogenetic location: 2q35.
Variant type: single nucleotide variant.
Coding change: c.787A>G on transcript NM_000465.4 (MANE Select); coding-DNA position 787, A replaced by G.
Protein change: p.Ser263Gly; replaces serine 263 with glycine.
Molecular consequence: missense variant. On other transcripts: non-coding transcript variant (2), intron variant (3).
Genome position (GRCh38, 1-based): chr2:214,781,087, T>C on the plus strand (A>G on the coding strand, the complement: BARD1 is on the minus strand). VCF-style: chr2-214781087-T-C. GRCh37 (hg19) VCF-style: chr2-215645811-T-C.
Other names: c.730A>G, p.Ser244Gly (NM_001282543.2); c.158+28325A>G (NM_001282548.2); c.215+15974A>G (NM_001282545.2); c.364+11210A>G (NM_001282549.2); short protein forms S244G, S263G.
Identifiers: ClinVar variation 1721688 (VCV001721688.5), dbSNP rs1559424979, ClinGen allele CA350455757.
Genomic context (GRCh38, chr2:214,781,087, plus strand): 5'-CCAATGGTAAAGAGACTTCAGTTAAACTTCCAAAACATTCAGATTCTGTCAAGGAGCCAC[T>C]TGCTAGTAAGTCTATTTCACCATTTATCTGAGGACTGGAGATAACAGATGGTTGGCTACA-3'
Protein context (NP_000456.2, residues 253-273): QINGEIDLLA[Ser263Gly]GSLTESECFG

ClinVar aggregate classification (germline): Uncertain significance (1 of 4 stars; one submission).

Conditions:
Familial cancer of breast. Also called: BREAST CANCER, FAMILIAL; hereditary breast carcinoma; Hereditary breast cancer. Identifiers: Orphanet 227535, MedGen C0346153, MONDO:0016419, OMIM 114480. Disease mechanism: loss of function.

Submission:

Labcorp Genetics (formerly Invitae), Labcorp
Classification: Uncertain significance for Familial cancer of breast. Last evaluated: 2025-11-17. Review status: criteria provided, single submitter. Criteria: Invitae Variant Classification Sherloc (09022015). Collection method: clinical testing. Allele origin: germline.
Comment: This sequence change replaces serine, which is neutral and polar, with glycine, which is neutral and non-polar, at codon 263 of the BARD1 protein (p.Ser263Gly). This variant is not present in population databases (gnomAD no frequency). This variant has not been reported in the literature in individuals affected with BARD1-related conditions. ClinVar contains an entry for this variant (Variation ID: 1721688). An algorithm developed to predict the effect of missense changes on protein structure and function (PolyPhen-2) suggests that this variant is likely to be disruptive. In summary, the available evidence is currently insufficient to determine the role of this variant in disease. Therefore, it has been classified as a Variant of Uncertain Significance.